The following is an entry in ClinVar:

NM_000540.3(RYR1):c.8926C>T (p.His2976Tyr)

Gene: RYR1 (ryanodine receptor 1; plus strand). Cytogenetic location: 19q13.2.
Variant type: single nucleotide variant.
Coding change: c.8926C>T on transcript NM_000540.3 (MANE Select); coding-DNA position 8926, C replaced by T.
Protein change: p.His2976Tyr; replaces histidine 2976 with tyrosine.
Molecular consequence: missense variant.
Genome position (GRCh38, 1-based): chr19:38,507,821, C>T. VCF-style: chr19-38507821-C-T. GRCh37 (hg19) VCF-style: chr19-38998461-C-T.
Other names: NM_000540.3(RYR1):c.8926C>T; p.(His2976Tyr); NM_001042723.2:c.8926C>T; c.8926C>T, p.His2976Tyr (NM_001042723.2); short protein forms H2976Y.
Identifiers: ClinVar variation 1330363 (VCV001330363.3), dbSNP rs2145643832, ClinGen allele CA405682354.

ClinVar aggregate classification (germline): Uncertain significance (3 of 4 stars; one submission).

Conditions:
Malignant hyperthermia of anesthesia. Also called: Anesthesic-triggered malignant hyperthermia. Identifiers: Orphanet 423, MedGen C0024591, MONDO:0018493, HP:0034733.

Submission:

ClinGen Malignant Hyperthermia Susceptibility Variant Curation Expert Panel, ClinGen
Classification: Uncertain significance for Malignant hyperthermia of anesthesia. Last evaluated: 2025-08-01. Review status: reviewed by expert panel. Criteria: ClinGen MHS ACMG Specifications V2. Collection method: curation. Allele origin: germline. Inheritance: Autosomal dominant inheritance.
Comment: This pathogenicity assessment is relevant only for malignant hyperthermia susceptibility (MHS) inherited in an autosomal dominant pattern. Variants in RYR1 can also cause other myopathies inherited in an autosomal dominant pattern or in an autosomal recessive pattern. Some of these disorders may predispose individuals to malignant hyperthermia. RYR1 variants may also contribute to a malignant hyperthermia reaction in combination with other genetic and non-genetic factors and the clinician needs to consider such factors in making management decisions. This sequence variant predicts a substitution of histidine with tyrosine at codon 2976 of the RYR1 protein, p.(His2976Tyr). This variant was not present in a large population database (gnomAD) at the time this variant was interpreted. This variant has been reported in an individual with a personal or family history of an MH episode and a positive in vitro contracture test (IVCT) or caffeine halothane contracture test (CHCT) result (if the proband was unavailable for testing, a positive diagnostic test result in a mutation-positive relative was counted), PS4_Supporting (PMID:20681998). No functional studies were identified for this variant. This variant does not reside in a hotspot for pathogenic variants that contribute to MHS. A REVEL score <0.5 (0.201) supports a benign status for this variant, BP4. This variant has been classified as a Variant of Uncertain Significance. Criteria implemented: PS4_Supporting, BP4.